The following is an entry in ClinVar:

NM_001743.6(CALM2):c.421+97G>C

Gene: CALM2 (calmodulin 2; minus strand). Cytogenetic location: 2p21.
Variant type: single nucleotide variant.
Coding change: c.421+97G>C on transcript NM_001743.6 (MANE Select); 97 bases into the intron after coding-DNA position 421, G replaced by C.
Molecular consequence: intron variant.
Genome position (GRCh38, 1-based): chr2:47,161,626, C>G on the plus strand (G>C on the coding strand, the complement: CALM2 is on the minus strand). VCF-style: chr2-47161626-C-G. GRCh37 (hg19) VCF-style: chr2-47388765-C-G.
Other names: c.565+97G>C (NM_001305624.1); c.313+97G>C (NM_001305626.1, NM_001305625.2).
Identifiers: ClinVar variation 674616 (VCV000674616.5), dbSNP rs2454084, ClinGen allele CA11272069.

ClinVar aggregate classification (germline): Benign. Review status: criteria provided, multiple submitters, no conflicts (2 of 4 stars). 3 submissions from 3 submitters: Benign (3). Last evaluated 2021-07-14.

Conditions:
Long QT syndrome 15 (LQT15). Identifiers: Orphanet 101016, Orphanet 768, MedGen C4015695, MONDO:0014550, OMIM 616249.

Allele frequency attached by ClinVar (database versions not stated): gnomAD 0.76235 and 0.76652; gnomAD exomes 0.80640; TOPMed 0.88341; 1000 Genomes Project 0.89437.
gnomAD v4.1: 833,315 of 1,040,338 alleles (80%); highest among the groups gnomAD compares: East Asian, 87%; 321,512 homozygotes.

Submissions (3):

Genome-Nilou Lab
Classification: Benign for Long QT syndrome 15. Last evaluated: 2021-07-14. Review status: criteria provided, single submitter. Criteria: ACMG Guidelines, 2015. Collection method: clinical testing. Allele origin: germline. Affected: no.

GeneDx
Classification: Benign. Last evaluated: 2018-06-14. Review status: criteria provided, single submitter. Criteria: GeneDx Variant Classification (06012015). Collection method: clinical testing. Allele origin: germline. Affected: yes.
Comment: This variant is considered likely benign or benign based on one or more of the following criteria: it is a conservative change, it occurs at a poorly conserved position in the protein, it is predicted to be benign by multiple in silico algorithms, and/or has population frequency not consistent with disease.

Breakthrough Genomics
Classification: Benign. Review status: criteria provided, single submitter. Criteria: ACMG Guidelines, 2015. Collection method: not provided. Allele origin: germline. Inheritance: Autosomal dominant inheritance. Affected: yes.